The following is an entry in ClinVar:

ClinVar aggregate classification (germline): Uncertain significance. Review status: criteria provided, multiple submitters, no conflicts (2 of 4 stars). 2 submissions from 2 submitters: Uncertain significance (2). Last evaluated 2025-06-24.

Conditions:
Hereditary cancer-predisposing syndrome. Also called: Tumor predisposition; Hereditary neoplastic syndrome; Neoplastic Syndromes, Hereditary; Hereditary Cancer Syndrome. Identifiers: Orphanet 140162, MedGen C0027672, MeSH D009386, MONDO:0015356.
EGFR-related lung cancer (EGFR). Identifiers: MedGen CN130014.

Allele frequency attached by ClinVar (database versions not stated): gnomAD exomes below 0.00001; ExAC 0.00001; gnomAD 0.00001; 1000 Genomes Project 30x 0.00016; 1000 Genomes Project 0.00020.
gnomAD v4.1: 2 of 1,614,056 alleles (0.00012%); highest among the groups gnomAD compares: African/African-American, 0.0013%; no homozygotes.

Submissions (2):

Labcorp Genetics (formerly Invitae), Labcorp
Classification: Uncertain significance for EGFR-related lung cancer. Last evaluated: 2025-06-24. Review status: criteria provided, single submitter. Criteria: Invitae Variant Classification Sherloc (09022015). Collection method: clinical testing. Allele origin: germline.
Comment: This sequence change replaces asparagine, which is neutral and polar, with serine, which is neutral and polar, at codon 152 of the EGFR protein (p.Asn152Ser). This variant is present in population databases (rs551591429, gnomAD 0.007%). This variant has not been reported in the literature in individuals affected with EGFR-related conditions. ClinVar contains an entry for this variant (Variation ID: 2175817). Invitae Evidence Modeling of protein sequence and biophysical properties (such as structural, functional, and spatial information, amino acid conservation, physicochemical variation, residue mobility, and thermodynamic stability) indicates that this missense variant is not expected to disrupt EGFR protein function with a negative predictive value of 80%. In summary, the available evidence is currently insufficient to determine the role of this variant in disease. Therefore, it has been classified as a Variant of Uncertain Significance.

Ambry Genetics
Classification: Uncertain significance for Hereditary cancer-predisposing syndrome. Last evaluated: 2025-02-05. Review status: criteria provided, single submitter. Criteria: Ambry Variant Classification Scheme 2023. Collection method: clinical testing. Allele origin: germline.
Comment: The p.N152S variant (also known as c.455A>G), located in coding exon 4 of the EGFR gene, results from an A to G substitution at nucleotide position 455. The asparagine at codon 152 is replaced by serine, an amino acid with highly similar properties. This amino acid position is well conserved in available vertebrate species. In addition, this alteration is predicted to be tolerated by in silico analysis. Based on the available evidence, the clinical significance of this variant remains unclear.

NM_005228.5(EGFR):c.455A>G (p.Asn152Ser)

Gene: EGFR (epidermal growth factor receptor; plus strand). Cytogenetic location: 7p11.2.
Variant type: single nucleotide variant.
Coding change: c.455A>G on transcript NM_005228.5 (MANE Select); coding-DNA position 455, A replaced by G.
Protein change: p.Asn152Ser; replaces asparagine 152 with serine.
Molecular consequence: missense variant. On other transcripts: intron variant (3).
Genome position (GRCh38, 1-based): chr7:55,146,636, A>G. VCF-style: chr7-55146636-A-G. GRCh37 (hg19) VCF-style: chr7-55214329-A-G.
Other names: c.455A>G, p.Asn152Ser (NM_001346898.2, NM_201282.2, NM_201283.2 and 1 more transcripts); c.296A>G, p.Asn99Ser (NM_001346900.2); c.424+3148A>G (NM_001346899.2, NM_001346897.2); c.89-9194A>G (NM_001346941.2); short protein forms N152S, N99S.
Identifiers: ClinVar variation 2175817 (VCV002175817.5), dbSNP rs551591429, ClinGen allele CA4265227.